The following is an entry in ClinVar:

NM_001040142.2(SCN2A):c.2086G>A (p.Glu696Lys)

Gene: SCN2A (sodium voltage-gated channel alpha subunit 2; plus strand). Cytogenetic location: 2q24.3.
Variant type: single nucleotide variant.
Coding change: c.2086G>A on transcript NM_001040142.2 (MANE Select); coding-DNA position 2086, G replaced by A.
Protein change: p.Glu696Lys; replaces glutamic acid 696 with lysine.
Molecular consequence: missense variant.
Genome position (GRCh38, 1-based): chr2:165,326,921, G>A. VCF-style: chr2-165326921-G-A. GRCh37 (hg19) VCF-style: chr2-166183431-G-A.
Other names: c.2086G>A, p.Glu696Lys (NM_001040143.2, NM_001371246.1, NM_001371247.1 and 1 more transcripts); short protein forms E696K.
Identifiers: ClinVar variation 5038837 (VCV005038837.1).
Genomic context (GRCh38, chr2:165,326,921, plus strand): 5'-ACTGAAACAGAAATAAGAAAGAGACGGTCCAGTTCTTATCATGTTTCCATGGATTTATTG[G>A]AAGATCCTACATCAAGGCAAAGAGCAATGAGTATAGCCAGTATTTTGACCAACACCATGG-3'
Protein context (NP_001035232.1, residues 686-706): SSYHVSMDLL[Glu696Lys]DPTSRQRAMS

ClinVar aggregate classification (germline): Uncertain significance (1 of 4 stars; one submission).

Submission:

CeGaT Center for Human Genetics Tuebingen
Classification: Uncertain significance. Last evaluated: 2026-08-01. Review status: criteria provided, single submitter. Criteria: CeGaT Center For Human Genetics Tuebingen Variant Classification Criteria Version 2. Collection method: clinical testing. Allele origin: germline. Affected: yes. Observed: 1 variant allele.
Comment: SCN2A: PM2